The following is an entry in ClinVar:

NM_018943.3(TUBA8):c.554A>G (p.Tyr185Cys)

Gene: TUBA8 (tubulin alpha 8; plus strand). Cytogenetic location: 22q11.21.
Variant type: single nucleotide variant.
Coding change: c.554A>G on transcript NM_018943.3 (MANE Select); coding-DNA position 554, A replaced by G.
Protein change: p.Tyr185Cys; replaces tyrosine 185 with cysteine.
Molecular consequence: missense variant.
Genome position (GRCh38, 1-based): chr22:18,126,532, A>G. VCF-style: chr22-18126532-A-G. GRCh37 (hg19) VCF-style: chr22-18609299-A-G.
Other names: c.356A>G, p.Tyr119Cys (NM_001193414.2); short protein forms Y119C, Y185C.
Identifiers: ClinVar variation 805737 (VCV000805737.7), dbSNP rs758782368, ClinGen allele CA10093704.
Genomic context (GRCh38, chr22:18,126,532, plus strand): 5'-CCAAGCTGGAGTTTGCCATCTACCCAGCCCCCCAGGTCTCTACTGCAGTGGTGGAGCCCT[A>G]CAACTCCATCCTGACCACCCACACCACACTGGAACATTCAGATTGTGCTTTCATGGTGGA-3'
Protein context (NP_061816.1, residues 175-195): PQVSTAVVEP[Tyr185Cys]NSILTTHTTL

ClinVar aggregate classification (germline): Uncertain significance. Review status: criteria provided, multiple submitters, no conflicts (2 of 4 stars). 3 submissions from 3 submitters: Uncertain significance (3). Last evaluated 2025-11-10.

Allele frequency attached by ClinVar (database versions not stated): TOPMed 0.00004; gnomAD exomes 0.00007.
gnomAD v4.1: 42 of 1,614,138 alleles (0.0026%); highest among the groups gnomAD compares: Admixed American, 0.067%; no homozygotes.

Submissions (3):

Labcorp Genetics (formerly Invitae), Labcorp
Classification: Uncertain significance. Last evaluated: 2025-11-10. Review status: criteria provided, single submitter. Criteria: Invitae Variant Classification Sherloc (09022015). Collection method: clinical testing. Allele origin: germline.
Comment: This sequence change replaces tyrosine, which is neutral and polar, with cysteine, which is neutral and slightly polar, at codon 185 of the TUBA8 protein (p.Tyr185Cys). This variant is present in population databases (rs758782368, gnomAD 0.1%), and has an allele count higher than expected for a pathogenic variant. This variant has not been reported in the literature in individuals affected with TUBA8-related conditions. ClinVar contains an entry for this variant (Variation ID: 805737). Invitae Evidence Modeling of protein sequence and biophysical properties (such as structural, functional, and spatial information, amino acid conservation, physicochemical variation, residue mobility, and thermodynamic stability) indicates that this missense variant is expected to disrupt TUBA8 protein function with a positive predictive value of 80%. In summary, the available evidence is currently insufficient to determine the role of this variant in disease. Therefore, it has been classified as a Variant of Uncertain Significance.

Ambry Genetics
Classification: Uncertain significance. Last evaluated: 2024-07-17. Review status: criteria provided, single submitter. Criteria: Ambry Variant Classification Scheme 2023. Collection method: clinical testing. Allele origin: germline.

Athena Diagnostics
Classification: Uncertain significance. Last evaluated: 2018-10-18. Review status: criteria provided, single submitter. Criteria: Athena Diagnostics Criteria. Collection method: clinical testing. Allele origin: germline.